The following is an entry in ClinVar:

ClinVar aggregate classification (germline): Uncertain significance (1 of 4 stars; one submission).

Allele frequency attached by ClinVar (database versions not stated): gnomAD exomes 0.00001.
gnomAD v4.1: 9 of 1,126,034 alleles (0.0008%); highest among the groups gnomAD compares: African/African-American, 0.0019%; no homozygotes.

Submission:

GeneDx
Classification: Uncertain significance. Last evaluated: 2022-07-02. Review status: criteria provided, single submitter. Criteria: GeneDx Variant Classification Process June 2021. Collection method: clinical testing. Allele origin: germline. Affected: yes.
Comment: Not observed at significant frequency in large population cohorts (gnomAD); In silico analysis supports that this missense variant does not alter protein structure/function; Has not been previously published as pathogenic or benign to our knowledge

NM_001378477.3(NYX):c.439G>A (p.Glu147Lys)

Gene: NYX (nyctalopin; plus strand). Cytogenetic location: Xp11.4.
Variant type: single nucleotide variant.
Coding change: c.439G>A on transcript NM_001378477.3 (MANE Select); coding-DNA position 439, G replaced by A.
Protein change: p.Glu147Lys; replaces glutamic acid 147 with lysine.
Molecular consequence: missense variant.
Genome position (GRCh38, 1-based): chrX:41,473,907, G>A. VCF-style: chrX-41473907-G-A. GRCh37 (hg19) VCF-style: chrX-41333160-G-A.
Other names: c.439G>A, p.Glu147Lys (NM_022567.3); short protein forms E147K.
Identifiers: ClinVar variation 1809982 (VCV001809982.1), dbSNP rs2519607308, ClinGen allele CA412990356.